The following is an entry in ClinVar:

ClinVar aggregate classification (germline): Uncertain significance. Review status: criteria provided, multiple submitters, no conflicts (2 of 4 stars). 2 submissions from 2 submitters: Uncertain significance (2). Last evaluated 2023-06-25.

Conditions:
Hereditary cancer-predisposing syndrome. Also called: Hereditary neoplastic syndrome; Neoplastic Syndromes, Hereditary; Tumor predisposition; Hereditary Cancer Syndrome. Identifiers: Orphanet 140162, MedGen C0027672, MeSH D009386, MONDO:0015356.
Ataxia-telangiectasia syndrome (AT). Also called: LOUIS-BAR SYNDROME; Cerebello-oculocutaneous telangiectasia; Immunodeficiency with ataxia telangiectasia; AT, COMPLEMENTATION GROUP C; Ataxia-telangiectasia, complementation group D; ATAXIA-TELANGIECTASIA, COMPLEMENTATION GROUP A. Identifiers: Orphanet 100, MedGen C0004135, MONDO:0008840, OMIM 208900.

Submissions (2):

Labcorp Genetics (formerly Invitae), Labcorp
Classification: Uncertain significance for Ataxia-telangiectasia syndrome. Last evaluated: 2023-06-25. Review status: criteria provided, single submitter. Criteria: Invitae Variant Classification Sherloc (09022015). Collection method: clinical testing. Allele origin: germline.
Comment: In summary, the available evidence is currently insufficient to determine the role of this variant in disease. Therefore, it has been classified as a Variant of Uncertain Significance. An algorithm developed to predict the effect of missense changes on protein structure and function (PolyPhen-2) suggests that this variant is likely to be tolerated. ClinVar contains an entry for this variant (Variation ID: 485192). This variant has not been reported in the literature in individuals affected with ATM-related conditions. This variant is not present in population databases (gnomAD no frequency). This sequence change replaces glycine, which is neutral and non-polar, with alanine, which is neutral and non-polar, at codon 558 of the ATM protein (p.Gly558Ala).

Ambry Genetics
Classification: Uncertain significance for Hereditary cancer-predisposing syndrome. Last evaluated: 2016-05-23. Review status: criteria provided, single submitter. Criteria: Ambry Variant Classification Scheme 2023. Collection method: clinical testing. Allele origin: germline.
Comment: The p.G558A variant (also known as c.1673G>C), located in coding exon 10 of the ATM gene, results from a G to C substitution at nucleotide position 1673. The glycine at codon 558 is replaced by alanine, an amino acid with similar properties. This variant was not reported in population based cohorts in the following databases: Database of Single Nucleotide Polymorphisms (dbSNP), NHLBI Exome Sequencing Project (ESP), and 1000 Genomes Project. In the ESP, this variant was not observed in 6499 samples (12998 alleles) with coverage at this position. To date, this alteration has been detected with an allele frequency of approximately 0.001% (greater than 180000 alleles tested) in our clinical cohort. This amino acid position is well conserved in available vertebrate species. In addition, this alteration is predicted to be tolerated by in silico analysis. Since supporting evidence is limited at this time, the clinical significance of this alteration remains unclear.

NM_000051.4(ATM):c.1673G>C (p.Gly558Ala)

Gene: ATM (ATM serine/threonine kinase; plus strand). Cytogenetic location: 11q22.3.
Variant type: single nucleotide variant.
Coding change: c.1673G>C on transcript NM_000051.4 (MANE Select); coding-DNA position 1673, G replaced by C.
Protein change: p.Gly558Ala; replaces glycine 558 with alanine.
Molecular consequence: missense variant.
Genome position (GRCh38, 1-based): chr11:108,251,902, G>C. VCF-style: chr11-108251902-G-C. GRCh37 (hg19) VCF-style: chr11-108122629-G-C.
Other names: c.1673G>C, p.Gly558Ala (NM_001351834.2); short protein forms G558A.
Identifiers: ClinVar variation 485192 (VCV000485192.11), dbSNP rs1064795257, ClinGen allele CA382535131.